The following is an entry in ClinVar:

ClinVar aggregate classification (germline): Uncertain significance. Review status: criteria provided, multiple submitters, no conflicts (2 of 4 stars). 2 submissions from 2 submitters: Uncertain significance (2). Last evaluated 2025-05-30.

Conditions:
Cardiovascular phenotype. Identifiers: MedGen CN230736.
Cholestanol storage disease (CTX). Also called: CTX: Cerebrotendinous xanthomatosis; Cerebrotendinous Xanthomatosis; CEREBRAL CHOLESTERINOSIS. Identifiers: Orphanet 909, MedGen C0238052, MONDO:0008948, OMIM 213700.

Allele frequency attached by ClinVar (database versions not stated): ExAC 0.00001.

Submissions (2):

Ambry Genetics
Classification: Uncertain significance for Cardiovascular phenotype. Last evaluated: 2025-05-30. Review status: criteria provided, single submitter. Criteria: Ambry Variant Classification Scheme 2023. Collection method: clinical testing. Allele origin: germline.
Comment: The p.A197G variant (also known as c.590C>G), located in coding exon 3 of the CYP27A1 gene, results from a C to G substitution at nucleotide position 590. The alanine at codon 197 is replaced by glycine, an amino acid with similar properties. This amino acid position is conserved. In addition, this alteration is predicted to be tolerated by in silico analysis. Based on the available evidence, the clinical significance of this variant remains unclear.

Labcorp Genetics (formerly Invitae), Labcorp
Classification: Uncertain significance for Cholestanol storage disease. Last evaluated: 2022-02-10. Review status: criteria provided, single submitter. Criteria: Invitae Variant Classification Sherloc (09022015). Collection method: clinical testing. Allele origin: germline.
Comment: This sequence change replaces alanine, which is neutral and non-polar, with glycine, which is neutral and non-polar, at codon 197 of the CYP27A1 protein (p.Ala197Gly). This variant is present in population databases (rs772252994, gnomAD 0.007%). This variant has not been reported in the literature in individuals affected with CYP27A1-related conditions. Advanced modeling of protein sequence and biophysical properties (such as structural, functional, and spatial information, amino acid conservation, physicochemical variation, residue mobility, and thermodynamic stability) performed at Invitae indicates that this missense variant is not expected to disrupt CYP27A1 protein function. In summary, the available evidence is currently insufficient to determine the role of this variant in disease. Therefore, it has been classified as a Variant of Uncertain Significance.

NM_000784.4(CYP27A1):c.590C>G (p.Ala197Gly)

Gene: CYP27A1 (cytochrome P450 family 27 subfamily A member 1; plus strand). Cytogenetic location: 2q35.
Variant type: single nucleotide variant.
Coding change: c.590C>G on transcript NM_000784.4 (MANE Select); coding-DNA position 590, C replaced by G.
Protein change: p.Ala197Gly; replaces alanine 197 with glycine.
Molecular consequence: missense variant.
Genome position (GRCh38, 1-based): chr2:218,812,365, C>G. VCF-style: chr2-218812365-C-G. GRCh37 (hg19) VCF-style: chr2-219677088-C-G.
Other names: c.590C>G (NM_000784.3); short protein forms A197G.
Identifiers: ClinVar variation 2096106 (VCV002096106.2), dbSNP rs772252994, ClinGen allele CA2112659.